The following is an entry in ClinVar:

NM_001041.4(SI):c.2239A>G (p.Lys747Glu)

Gene: SI (sucrase-isomaltase; minus strand). Cytogenetic location: 3q26.1.
Variant type: single nucleotide variant.
Coding change: c.2239A>G on transcript NM_001041.4 (MANE Select); coding-DNA position 2239, A replaced by G.
Protein change: p.Lys747Glu; replaces lysine 747 with glutamic acid.
Molecular consequence: missense variant.
Genome position (GRCh38, 1-based): chr3:165,039,892, T>C on the plus strand (A>G on the coding strand, the complement: SI is on the minus strand). VCF-style: chr3-165039892-T-C. GRCh37 (hg19) VCF-style: chr3-164757680-T-C.
Other names: short protein forms K747E.
Identifiers: ClinVar variation 2114170 (VCV002114170.4), dbSNP rs985630780, ClinGen allele CA86538138.

ClinVar aggregate classification (germline): Uncertain significance (1 of 4 stars; one submission).

Allele frequency attached by ClinVar (database versions not stated): gnomAD exomes below 0.00001; TOPMed 0.00001.
gnomAD v4.1: 5 of 1,607,990 alleles (0.00031%); highest among the groups gnomAD compares: Non-Finnish European, 0.00043%; no homozygotes.

Submission:

Labcorp Genetics (formerly Invitae), Labcorp
Classification: Uncertain significance. Last evaluated: 2022-03-19. Review status: criteria provided, single submitter. Criteria: Invitae Variant Classification Sherloc (09022015). Collection method: clinical testing. Allele origin: germline.
Comment: In summary, the available evidence is currently insufficient to determine the role of this variant in disease. Therefore, it has been classified as a Variant of Uncertain Significance. Advanced modeling of protein sequence and biophysical properties (such as structural, functional, and spatial information, amino acid conservation, physicochemical variation, residue mobility, and thermodynamic stability) performed at Invitae indicates that this missense variant is not expected to disrupt SI protein function. This variant has not been reported in the literature in individuals affected with SI-related conditions. This variant is not present in population databases (gnomAD no frequency). This sequence change replaces lysine, which is basic and polar, with glutamic acid, which is acidic and polar, at codon 747 of the SI protein (p.Lys747Glu).